The following is an entry in ClinVar:

ClinVar aggregate classification (germline): Pathogenic. Review status: reviewed by expert panel (3 of 4 stars). 3 submissions from 3 submitters: Pathogenic (1). 2 of the submissions do not count toward it. Last evaluated 2023-08-29.

Conditions:
CDH1-related diffuse gastric and lobular breast cancer syndrome. Also called: CDH1-related diffuse gastric and lobular breast cancer. Identifiers: MedGen CN311521, MONDO:0100488.
Hereditary diffuse gastric adenocarcinoma (HDGC). Also called: DIFFUSE GASTRIC AND LOBULAR BREAST CANCER SYNDROME. Identifiers: Orphanet 26106, MedGen C1708349, MONDO:0007648, OMIM 137215.

Submissions (3):

Clingen Gastric Cancer Variant Curation Expert Panel
Classification: Pathogenic for CDH1-related diffuse gastric and lobular breast cancer syndrome. Last evaluated: 2023-08-29. Review status: reviewed by expert panel. Criteria: ClinGen CDH1 ACMG Specifications V3.1. Collection method: curation. Allele origin: germline. Inheritance: Autosomal dominant inheritance.
Comment: The c.1023T>G (p.Tyr341*) variant is predicted to result in a premature stop codon that leads to a truncated or absent protein (PVS1, PM5_Supporting). This variant is absent in the gnomAD cohort (PM2_Supporting). The variant has been reported in at least one family meeting HDGC clinical criteria (PS4_Supporting; PMID: 27192129). In summary, this variant meets criteria to be classified as pathogenic based on the ACMG/AMP criteria applied as specified by the CDH1 Variant Curation Expert Panel (Variant Interpretation Guidelines Version 3.1): PVS1, PM2_Supporting, PS4_Supporting, PM5_Supporting.

Genesis Genomics
Classification: Pathogenic for Hereditary diffuse gastric adenocarcinoma. Review status: criteria provided, single submitter. Criteria: ACMG Guidelines, 2015. Collection method: clinical testing. Allele origin: germline. Affected: yes. Observed: 1 variant allele. Not counted in ClinVar's aggregate classification.

Laboratório de Genética Humana e Médica,  Universidade Federal do Pará
Classification: Pathogenic for Hereditary diffuse gastric cancer. Review status: no assertion criteria provided. Collection method: not provided. Allele origin: germline. Not counted in ClinVar's aggregate classification.
Comment: Mutation detected in a Brazilian kindred with Hereditary Diffuse Gastric Cancer
ClinVar note: Converted during submission from pathogenic to Pathogenic.

Literature cited by the submitters: PubMed 29511593 (cited by Clingen Gastric Cancer Variant Curation Expert Panel); PubMed 22225527 (cited by Clingen Gastric Cancer Variant Curation Expert Panel); PubMed 20824432 (cited by Clingen Gastric Cancer Variant Curation Expert Panel); PubMed 27192129 (cited by Clingen Gastric Cancer Variant Curation Expert Panel); PubMed 20373070 (cited by Clingen Gastric Cancer Variant Curation Expert Panel).

NM_004360.5(CDH1):c.1023T>G (p.Tyr341Ter)

Gene: CDH1 (cadherin 1; plus strand). Cytogenetic location: 16q22.1.
Variant type: single nucleotide variant.
Coding change: c.1023T>G on transcript NM_004360.5 (MANE Select); coding-DNA position 1023, T replaced by G.
Protein change: p.Tyr341Ter; replaces tyrosine 341 with a stop codon.
Molecular consequence: nonsense. On other transcripts: 5 prime UTR variant (2).
Genome position (GRCh38, 1-based): chr16:68,812,149, T>G. VCF-style: chr16-68812149-T-G. GRCh37 (hg19) VCF-style: chr16-68846052-T-G.
Other names: c.1023T>G, p.Tyr341Ter (NM_001317184.2); c.-593T>G (NM_001317185.2); c.-797T>G (NM_001317186.2); c.1023T>G (LRG_301t1); short protein forms Y341*.
Identifiers: ClinVar variation 156374 (VCV000156374.6), dbSNP rs587776398, ClinGen allele CA281453.